The following is an entry in ClinVar:

ClinVar aggregate classification (germline): Uncertain significance. Review status: criteria provided, single submitter (1 of 4 stars). 2 submissions from 2 submitters: Uncertain significance (1). 1 of the submissions does not count toward it. Last evaluated 2022-05-03.

Conditions:
LMX1A-related disorder. Also called: LMX1A-related condition.
Autosomal dominant nonsyndromic hearing loss 7. Also called: Deafness, autosomal dominant 7. Identifiers: Orphanet 90635, MedGen C1832379, MONDO:0011074, OMIM 601412.

gnomAD v4.1: 16 of 1,614,198 alleles (0.00099%); highest among the groups gnomAD compares: South Asian, 0.0022%; no homozygotes.

Submissions (2):

Department of Pathology and Laboratory Medicine, Sinai Health System
Classification: Uncertain significance for Autosomal dominant nonsyndromic hearing loss 7. Last evaluated: 2022-05-03. Review status: criteria provided, single submitter. Criteria: ACMG Guidelines, 2015. Collection method: research. Allele origin: germline.

PreventionGenetics, part of Exact Sciences
Classification: Uncertain significance for LMX1A-related condition. Last evaluated: 2024-06-03. Review status: no assertion criteria provided. Collection method: clinical testing. Allele origin: germline. Not counted in ClinVar's aggregate classification.
Comment: The LMX1A c.581G>A variant is predicted to result in the amino acid substitution p.Arg194His. To our knowledge, this variant has not been reported in the literature. This variant is reported in 0.0033% of alleles in individuals of South Asian descent in gnomAD. At this time, the clinical significance of this variant is uncertain due to the absence of conclusive functional and genetic evidence.

NM_177398.4(LMX1A):c.581G>A (p.Arg194His)

Gene: LMX1A (LIM homeobox transcription factor 1 alpha; minus strand). Cytogenetic location: 1q23.3.
Variant type: single nucleotide variant.
Coding change: c.581G>A on transcript NM_177398.4 (MANE Select); coding-DNA position 581, G replaced by A.
Protein change: p.Arg194His; replaces arginine 194 with histidine.
Molecular consequence: missense variant.
Genome position (GRCh38, 1-based): chr1:165,213,729, C>T on the plus strand (G>A on the coding strand, the complement: LMX1A is on the minus strand). VCF-style: chr1-165213729-C-T. GRCh37 (hg19) VCF-style: chr1-165182966-C-T.
Other names: c.581G>A, p.Arg194His (NM_001174069.2); short protein forms R194H.
Identifiers: ClinVar variation 3355759 (VCV003355759.2).